The following is an entry in ClinVar:

ClinVar aggregate classification (germline): Likely pathogenic (1 of 4 stars; one submission).

Conditions:
AVPR2-related disorder. Also called: AVPR2-related condition.

Submission:

PreventionGenetics, part of Exact Sciences
Classification: Likely pathogenic for AVPR2-related condition. Last evaluated: 2023-01-17. Review status: criteria provided, single submitter. Criteria: ACMG Guidelines, 2015. Collection method: clinical testing. Allele origin: germline.
Comment: The AVPR2 c.579_580delGG variant is predicted to result in a frameshift and premature protein termination (p.Trp193Cysfs*65). To our knowledge, this variant has not been reported in the literature or in a large population database, indicating this variant is rare. Frameshift variants in AVPR2 are expected to be pathogenic. This variant is interpreted as likely pathogenic.

NM_000054.7(AVPR2):c.579_580del (p.Trp193fs)

Gene: AVPR2 (arginine vasopressin receptor 2; plus strand). Cytogenetic location: Xq28.
Variant type: Deletion.
Coding change: c.579_580del on transcript NM_000054.7 (MANE Select); coding-DNA positions 579 to 580, 2 bases deleted (GG; older notation c.579_580delGG).
Protein change: p.Trp193fs; shifts the reading frame from tryptophan 193.
Molecular consequence: frameshift variant. On other transcripts: non-coding transcript variant (1).
Genome position (GRCh38, 1-based): chrX:153,906,085-153,906,086, GG deleted; deleting any 2 consecutive bases within chrX:153,906,084-153,906,086 gives the same sequence; the c. name uses the placement nearest the transcript's 3' end. VCF-style (leftmost placement, unchanged base first): chrX-153906083-TGG-T. GRCh37 (hg19) VCF-style: chrX-153171537-TGG-T.
Other names: c.579_580del, p.Trp193fs (NM_001146151.3); short protein forms W193fs.
Identifiers: ClinVar variation 2629646 (VCV002629646.1), dbSNP rs2521156768, ClinGen allele CA2695197147.